The following is an entry in ClinVar:

ClinVar aggregate classification (germline): Uncertain significance (1 of 4 stars; one submission).

gnomAD v4.1: 1 of 1,614,192 alleles (0.000062%); highest among the groups gnomAD compares: Non-Finnish European, 0.000085%; no homozygotes.

Submission:

Women's Health and Genetics/Laboratory Corporation of America, LabCorp
Classification: Uncertain significance. Last evaluated: 2025-07-23. Review status: criteria provided, single submitter. Criteria: LabCorp Variant Classification Summary - May 2015. Collection method: clinical testing. Allele origin: germline.
Comment: Variant summary: KMT5B c.2327A>C (p.Lys776Thr) results in a non-conservative amino acid change in the encoded protein sequence. Algorithms developed to predict the effect of missense changes on protein structure and function are either unavailable or do not agree on the potential impact of this missense change. The variant was absent in 251308 control chromosomes (gnomAD). The available data on variant occurrences in the general population are insufficient to allow any conclusion about variant significance. To our knowledge, no occurrence of c.2327A>C in individuals affected with Mental Retardation, Autosomal Dominant and no experimental evidence demonstrating its impact on protein function have been reported. No submitters have cited clinical-significance assessments for this variant to ClinVar. Based on the evidence outlined above, the variant was classified as uncertain significance.

NM_017635.5(KMT5B):c.2327A>C (p.Lys776Thr)

Gene: KMT5B (lysine methyltransferase 5B; minus strand). Cytogenetic location: 11q13.2.
Variant type: single nucleotide variant.
Coding change: c.2327A>C on transcript NM_017635.5 (MANE Select); coding-DNA position 2327, A replaced by C.
Protein change: p.Lys776Thr; replaces lysine 776 with threonine.
Molecular consequence: missense variant.
Genome position (GRCh38, 1-based): chr11:68,158,019, T>G on the plus strand (A>C on the coding strand, the complement: KMT5B is on the minus strand). VCF-style: chr11-68158019-T-G. GRCh37 (hg19) VCF-style: chr11-67925486-T-G.
Other names: c.1811A>C, p.Lys604Thr (NM_001300907.1, NM_001369428.1, NM_001369429.1 and 4 more transcripts); c.1607A>C, p.Lys536Thr (NM_001300908.2); c.2327A>C, p.Lys776Thr (NM_001369426.1); short protein forms K604T, K776T, K536T.
Identifiers: ClinVar variation 4526270 (VCV004526270.1).
Genomic context (GRCh38, chr11:68,158,019, plus strand): 5'-TGAAGCCCCTCTGTATAAGACCCCCTATTTTCCTCATCTCGTTTTAGCTGGATTTTTAAT[T>G]TTGTAGAACTACTGCCTGATCCTGAGTTAAATCCATTATTAAGCTTTGCTACATAGAGAT-3'
Protein context (NP_060105.3, residues 766-786): FNSGSGSSST[Lys776Thr]LKIQLKRDEE